The following is an entry in ClinVar:

NM_194248.3(OTOF):c.2512C>T (p.Leu838=)

Gene: OTOF (otoferlin; minus strand). Cytogenetic location: 2p23.3.
Variant type: single nucleotide variant.
Coding change: c.2512C>T on transcript NM_194248.3 (MANE Select); coding-DNA position 2512, C replaced by T.
Protein change: p.Leu838=; no amino-acid change (leucine 838 retained).
Molecular consequence: synonymous variant.
Genome position (GRCh38, 1-based): chr2:26,477,183, G>A on the plus strand (C>T on the coding strand, the complement: OTOF is on the minus strand). VCF-style: chr2-26477183-G-A. GRCh37 (hg19) VCF-style: chr2-26700051-G-A.
Other names: c.2512C>T, p.Leu838= (NM_001287489.2); c.271C>T, p.Leu91= (NM_004802.4, NM_194323.3); c.442C>T, p.Leu148= (NM_194322.3).
Identifiers: ClinVar variation 48200 (VCV000048200.21), dbSNP rs146139327, ClinGen allele CA142811.

ClinVar aggregate classification (germline): Conflicting classifications of pathogenicity. Review status: criteria provided, conflicting classifications (1 of 4 stars). 6 submissions from 6 submitters: Uncertain significance (1); Benign (2); Likely benign (3). Last evaluated 2026-01-26.

Conditions:
OTOF-related disorder. Also called: OTOF-related condition.
Autosomal recessive nonsyndromic hearing loss 9. Also called: AUDITORY NEUROPATHY, AUTOSOMAL RECESSIVE, 1, TEMPERATURE-SENSITIVE; Deafness, autosomal recessive 9; OTOF-Related Hearing Loss; NEUROSENSORY NONSYNDROMIC RECESSIVE DEAFNESS 9. Identifiers: Orphanet 90636, MedGen C1832828, MONDO:0010986, OMIM 601071.

Allele frequency attached by ClinVar (database versions not stated): gnomAD 0.00011 and 0.00025; TOPMed 0.00017; 1000 Genomes Project 30x 0.00031; 1000 Genomes Project 0.00040; gnomAD exomes 0.00044 and 0.00072; ExAC 0.00095.
gnomAD v4.1: 677 of 1,610,588 alleles (0.042%); highest among the groups gnomAD compares: South Asian, 0.51%; 7 homozygotes.

Submissions (6):

Labcorp Genetics (formerly Invitae), Labcorp
Classification: Benign. Last evaluated: 2026-01-26. Review status: criteria provided, single submitter. Criteria: Invitae Variant Classification Sherloc (09022015). Collection method: clinical testing. Allele origin: germline.

PreventionGenetics, part of Exact Sciences
Classification: Likely benign for OTOF-related condition. Last evaluated: 2025-10-13. Review status: criteria provided, single submitter. Criteria: ACMG Guidelines, 2015. Collection method: clinical testing. Allele origin: germline.
Comment: This variant is classified as likely benign based on ACMG/AMP sequence variant interpretation guidelines (Richards et al. 2015 PMID: 25741868, with internal and published modifications).

Blueprint Genetics
Classification: Likely benign. Last evaluated: 2024-11-15. Review status: criteria provided, single submitter. Criteria: ACMG Guidelines, 2015. Collection method: clinical testing. Allele origin: germline.

GeneDx
Classification: Likely benign. Last evaluated: 2020-10-29. Review status: criteria provided, single submitter. Criteria: GeneDx Variant Classification Process June 2021. Collection method: clinical testing. Allele origin: germline. Affected: yes.
Comment: This variant is associated with the following publications: (PMID: 19461658, 19250381)

Illumina Laboratory Services, Illumina
Classification: Uncertain significance for Autosomal recessive nonsyndromic hearing loss 9. Last evaluated: 2017-04-28. Review status: criteria provided, single submitter. Criteria: ICSL Variant Classification Criteria 13 December 2019. Collection method: clinical testing. Allele origin: germline.
Comment: This variant was observed as part of a predisposition screen in an ostensibly healthy population. A literature search was performed for the gene, cDNA change, and amino acid change (where applicable). Publications were found based on this search. However, the evidence from the literature, in combination with allele frequency data from public databases where available, was not sufficient to rule this variant in or out of causing disease. Therefore, this variant is classified as a variant of unknown significance.

Laboratory for Molecular Medicine, Mass General Brigham Personalized Medicine
Classification: Benign. Last evaluated: 2016-06-21. Review status: criteria provided, single submitter. Criteria: LMM Criteria. Collection method: clinical testing. Allele origin: germline. Observed: 3 variant alleles.
Comment: p.Leu838Leu in exon 21 of OTOF: This variant is not expected to have clinical si gnificance because it does not alter an amino acid residue, is not located near a splice junction and it has been identified in 0.6% (86/14302) of South Asian c hromosomes by the Exome Aggregation Consortium (ExAC .org; dbSNP rs146139327).

Literature cited by the submitters: PubMed 19461658 (cited by Illumina Laboratory Services, Illumina); PubMed 19250381 (cited by Illumina Laboratory Services, Illumina).